The following is an entry in ClinVar:

NM_001142800.2(EYS):c.8996del (p.Gly2999fs)

Genes: EYS (EGF-like photoreceptor maintenance factor; minus strand), PHF3 (PHD finger protein 3; plus strand). Cytogenetic location: 6q12.
Variant type: Deletion.
Coding change: c.8996del on transcript NM_001142800.2 (MANE Select); coding-DNA position 8996, one base deleted (G; older notation c.8996delG).
Protein change: p.Gly2999fs; shifts the reading frame from glycine 2999.
Molecular consequence: frameshift variant. On other transcripts: 3 prime UTR variant (5).
Genome position (GRCh38, 1-based): chr6:63,721,035, C deleted on the plus strand (G on the coding strand, the reverse complement: EYS is on the minus strand); the first of 3 consecutive C bases (chr6:63,721,035-63,721,037); deleting any one gives the same sequence. VCF-style (leftmost placement, unchanged base first): chr6-63721034-TC-T. GRCh37 (hg19) VCF-style: chr6-64430930-TC-T.
Other names: c.*7329del (NM_001290259.2, NM_001370348.2, NM_001370349.2 and 2 more transcripts); c.9059del, p.Gly3020fs (NM_001292009.2); short protein forms G2999fs, G3020fs.
Identifiers: ClinVar variation 5007085 (VCV005007085.2).
Genomic context (GRCh38, chr6:63,721,034, plus strand): 5'-TTTCAAGGTCTGATTATGGAGACCAATTGCCAGAAAATCATTTTCTTCATTTTGAGCTAT[TC>T]CCATCCATACAATTAGACCTTCTGTTTTAGTGGTACTGAAATTTAAGGATATAGTAGTGA-3'

ClinVar aggregate classification (germline): Uncertain significance (1 of 4 stars; one submission).

Conditions:
Retinitis pigmentosa 25 (RP25). Identifiers: Orphanet 791, MedGen C1864446, MONDO:0011272, OMIM 602772.

Submission:

Juno Genomics, Hangzhou Juno Genomics, Inc
Classification: Uncertain significance for Retinitis pigmentosa 25. Review status: criteria provided, single submitter. Criteria: ACMG Guidelines, 2015. Collection method: clinical testing. Allele origin: germline.
Comment: Null variant in a gene where loss of function (LOF) is a known mechanism of disease.;Absent from controls (or at extremely low frequency if recessive) in Genome Aggregation Database.